The following is an entry in ClinVar:

ClinVar aggregate classification (germline): Likely pathogenic (1 of 4 stars; one submission).

Submission:

GeneDx
Classification: Likely pathogenic. Last evaluated: 2024-11-06. Review status: criteria provided, single submitter. Criteria: GeneDx Variant Classification Process June 2021. Collection method: clinical testing. Allele origin: germline. Affected: yes.
Comment: Not observed at significant frequency in large population cohorts (gnomAD); In silico analysis supports that this missense variant has a deleterious effect on protein structure/function; Has not been previously published as pathogenic or benign to our knowledge

NM_000937.5(POLR2A):c.2200C>T (p.Arg734Trp)

Gene: POLR2A (RNA polymerase II subunit A; plus strand). Cytogenetic location: 17p13.1.
Variant type: single nucleotide variant.
Coding change: c.2200C>T on transcript NM_000937.5 (MANE Select); coding-DNA position 2200, C replaced by T.
Protein change: p.Arg734Trp; replaces arginine 734 with tryptophan.
Molecular consequence: missense variant.
Genome position (GRCh38, 1-based): chr17:7,501,580, C>T. VCF-style: chr17-7501580-C-T. GRCh37 (hg19) VCF-style: chr17-7404899-C-T.
Other names: short protein forms R734W.
Identifiers: ClinVar variation 3898892 (VCV003898892.1).